The following is an entry in ClinVar:

ClinVar aggregate classification (germline): Likely benign. Review status: criteria provided, multiple submitters, no conflicts (2 of 4 stars). 2 submissions from 2 submitters: Likely benign (2). Last evaluated 2024-11-06.

gnomAD v4.1: 448 of 1,536,918 alleles (0.029%); highest among the groups gnomAD compares: Admixed American, 0.048%; no homozygotes.

Submissions (2):

Blueprint Genetics
Classification: Likely benign. Last evaluated: 2024-11-06. Review status: criteria provided, single submitter. Criteria: ACMG Guidelines, 2015. Collection method: clinical testing. Allele origin: germline.

CeGaT Center for Human Genetics Tuebingen
Classification: Likely benign. Last evaluated: 2024-10-01. Review status: criteria provided, single submitter. Criteria: CeGaT Center For Human Genetics Tuebingen Variant Classification Criteria Version 2. Collection method: clinical testing. Allele origin: germline. Affected: yes. Observed: 1 variant allele.
Comment: GP1BB: BP4, BP7

NM_000407.5(GP1BB):c.156C>T (p.Ala52=)

Genes: GP1BB (glycoprotein Ib platelet subunit beta; plus strand), SEPT5-GP1BB (SEPT5-GP1BB readthrough; plus strand). Cytogenetic location: 22q11.21.
Variant type: single nucleotide variant.
Coding change: c.156C>T on transcript NM_000407.5 (MANE Select); coding-DNA position 156, C replaced by T.
Protein change: p.Ala52=; no amino-acid change (alanine 52 retained).
Molecular consequence: synonymous variant. On other transcripts: non-coding transcript variant (2).
Genome position (GRCh38, 1-based): chr22:19,723,999, C>T. VCF-style: chr22-19723999-C-T. GRCh37 (hg19) VCF-style: chr22-19711522-C-T.
Identifiers: ClinVar variation 3388122 (VCV003388122.15).